The following is an entry in ClinVar:

ClinVar aggregate classification (germline): Benign/Likely benign. Review status: criteria provided, multiple submitters, no conflicts (2 of 4 stars). 9 submissions from 9 submitters: Benign (4); Likely benign (5). Last evaluated 2026-02-02.

Conditions:
Congenital muscular dystrophy due to partial LAMA2 deficiency. Identifiers: MedGen C1842898.
LAMA2-related muscular dystrophy (LAMA2-RD). Also called: Laminin alpha 2-related dystrophy. Identifiers: MedGen C5679788, MONDO:0100228.

Allele frequency attached by ClinVar (database versions not stated): gnomAD exomes 0.00067; ExAC 0.00087; gnomAD 0.00277 and 0.00298; ESP Exome Variant Server 0.00338; TOPMed 0.00354; 1000 Genomes Project 0.00419; 1000 Genomes Project 30x 0.00437.
gnomAD v4.1: 860 of 1,610,802 alleles (0.053%); highest among the groups gnomAD compares: African/African-American, 0.87%; 5 homozygotes.

Submissions (9):

Labcorp Genetics (formerly Invitae), Labcorp
Classification: Benign for LAMA2-related muscular dystrophy. Last evaluated: 2026-02-02. Review status: criteria provided, single submitter. Criteria: Invitae Variant Classification Sherloc (09022015). Collection method: clinical testing. Allele origin: germline.

Mayo Clinic Laboratories, Mayo Clinic
Classification: Likely benign. Last evaluated: 2025-03-17. Review status: criteria provided, single submitter. Criteria: ACMG Guidelines, 2015. Collection method: clinical testing. Allele origin: germline. Observed: 5 variant alleles.
Comment: BS1, BP4, BP7

Blueprint Genetics
Classification: Likely benign. Last evaluated: 2024-10-22. Review status: criteria provided, single submitter. Criteria: ACMG Guidelines, 2015. Collection method: clinical testing. Allele origin: germline.

GeneDx
Classification: Likely benign. Last evaluated: 2021-03-29. Review status: criteria provided, single submitter. Criteria: GeneDx Variant Classification Process June 2021. Collection method: clinical testing. Allele origin: germline. Affected: yes.

Athena Diagnostics
Classification: Benign. Last evaluated: 2018-02-01. Review status: criteria provided, single submitter. Criteria: Athena Diagnostics Criteria. Collection method: clinical testing. Allele origin: germline.

Illumina Laboratory Services, Illumina
Classification: Likely benign for Congenital muscular dystrophy due to partial LAMA2 deficiency. Last evaluated: 2018-01-12. Review status: criteria provided, single submitter. Criteria: ICSL Variant Classification Criteria 13 December 2019. Collection method: clinical testing. Allele origin: germline.
Comment: This variant was observed in the ICSL laboratory as part of a predisposition screen in an ostensibly healthy population. It had not been previously curated by ICSL or reported in the Human Gene Mutation Database (HGMD: prior to June 1st, 2018), and was therefore a candidate for classification through an automated scoring system. Utilizing variant allele frequency, disease prevalence and penetrance estimates, and inheritance mode, an automated score was calculated to assess if this variant is too frequent to cause the disease. Based on the score and internal cut-off values, a variant classified as likely benign is not then subjected to further curation. The score for this variant resulted in a classification of likely benign for this disease.

Eurofins Ntd Llc (ga)
Classification: Benign. Last evaluated: 2013-12-06. Review status: criteria provided, single submitter. Criteria: EGL Classification Definitions 2015. Collection method: clinical testing. Allele origin: germline. Observed: 1 variant allele, 1 heterozygote.

Breakthrough Genomics
Classification: Likely benign. Review status: criteria provided, single submitter. Criteria: ACMG Guidelines, 2015. Collection method: not provided. Allele origin: germline. Inheritance: Autosomal recessive inheritance. Affected: yes.

PreventionGenetics, part of Exact Sciences
Classification: Benign. Review status: criteria provided, single submitter. Criteria: ACMG Guidelines, 2015. Collection method: clinical testing. Allele origin: germline.

NM_000426.4(LAMA2):c.675C>T (p.Ala225=)

Gene: LAMA2 (laminin subunit alpha 2; plus strand). Cytogenetic location: 6q22.33.
Variant type: single nucleotide variant.
Coding change: c.675C>T on transcript NM_000426.4 (MANE Select); coding-DNA position 675, C replaced by T.
Protein change: p.Ala225=; no amino-acid change (alanine 225 retained).
Molecular consequence: synonymous variant.
Genome position (GRCh38, 1-based): chr6:129,143,936, C>T. VCF-style: chr6-129143936-C-T. GRCh37 (hg19) VCF-style: chr6-129465081-C-T.
Other names: p.Ala225=; c.675C>T, p.Ala225= (NM_001079823.2).
Identifiers: ClinVar variation 167239 (VCV000167239.28), dbSNP rs139665175, ClinGen allele CA180151.